The following is an entry in ClinVar:

NM_001371928.1(AHDC1):c.101C>A (p.Thr34Asn)

Gene: AHDC1 (AT-hook DNA binding motif containing 1; minus strand). Cytogenetic location: 1p36.11.
Variant type: single nucleotide variant.
Coding change: c.101C>A on transcript NM_001371928.1 (MANE Select); coding-DNA position 101, C replaced by A.
Protein change: p.Thr34Asn; replaces threonine 34 with asparagine.
Molecular consequence: missense variant.
Genome position (GRCh38, 1-based): chr1:27,552,015, G>T on the plus strand (C>A on the coding strand, the complement: AHDC1 is on the minus strand). VCF-style: chr1-27552015-G-T. GRCh37 (hg19) VCF-style: chr1-27878526-G-T.
Other names: c.101C>A, p.Thr34Asn (NM_001029882.3); c.101C>A (NM_001029882.2); short protein forms T34N.
Identifiers: ClinVar variation 2417841 (VCV002417841.6), dbSNP rs1179505060, ClinGen allele CA339238489.

ClinVar aggregate classification (germline): Uncertain significance. Review status: criteria provided, multiple submitters, no conflicts (2 of 4 stars). 2 submissions from 2 submitters: Uncertain significance (2). Last evaluated 2025-05-23.

Conditions:
Inborn genetic diseases. Identifiers: MedGen C0950123, MeSH D030342.

gnomAD v4.1: 7 of 1,470,158 alleles (0.00048%); highest among the groups gnomAD compares: Admixed American, 0.01%; no homozygotes.

Submissions (2):

Ambry Genetics
Classification: Uncertain significance for Inborn genetic diseases. Last evaluated: 2025-05-23. Review status: criteria provided, single submitter. Criteria: Ambry Variant Classification Scheme 2023. Collection method: clinical testing. Allele origin: germline.

Labcorp Genetics (formerly Invitae), Labcorp
Classification: Uncertain significance. Last evaluated: 2024-01-25. Review status: criteria provided, single submitter. Criteria: Invitae Variant Classification Sherloc (09022015). Collection method: clinical testing. Allele origin: germline.
Comment: This sequence change replaces threonine, which is neutral and polar, with asparagine, which is neutral and polar, at codon 34 of the AHDC1 protein (p.Thr34Asn). This variant is not present in population databases (gnomAD no frequency). This variant has not been reported in the literature in individuals affected with AHDC1-related conditions. ClinVar contains an entry for this variant (Variation ID: 2417841). An algorithm developed to predict the effect of missense changes on protein structure and function (PolyPhen-2) suggests that this variant is likely to be disruptive. In summary, the available evidence is currently insufficient to determine the role of this variant in disease. Therefore, it has been classified as a Variant of Uncertain Significance.